The following is an entry in ClinVar:

ClinVar aggregate classification (germline): Uncertain significance (1 of 4 stars; one submission).

Conditions:
Cone-rod dystrophy 2 (CORD2). Also called: CONE-ROD RETINAL DYSTROPHY; Cone-rod retinal dystrophy 2. Identifiers: Orphanet 1872, MedGen C3489532, MONDO:0007362, OMIM 120970.
Leber congenital amaurosis 7 (LCA7). Identifiers: Orphanet 65, MedGen C3151192, MONDO:0013449, OMIM 613829.

Submission:

Labcorp Genetics (formerly Invitae), Labcorp
Classification: Uncertain significance for Cone-rod dystrophy 2; Leber congenital amaurosis 7. Last evaluated: 2020-07-23. Review status: criteria provided, single submitter. Criteria: Invitae Variant Classification Sherloc (09022015). Collection method: clinical testing. Allele origin: germline.
Comment: In summary, the available evidence is currently insufficient to determine the role of this variant in disease. Therefore, it has been classified as a Variant of Uncertain Significance. Algorithms developed to predict the effect of missense changes on protein structure and function (SIFT, PolyPhen-2, Align-GVGD) all suggest that this variant is likely to be disruptive, but these predictions have not been confirmed by published functional studies and their clinical significance is uncertain. This variant has not been reported in the literature in individuals with CRX-related conditions. This variant is not present in population databases (ExAC no frequency). This sequence change replaces serine with tyrosine at codon 238 of the CRX protein (p.Ser238Tyr). The serine residue is highly conserved and there is a large physicochemical difference between serine and tyrosine.

NM_000554.6(CRX):c.713C>A (p.Ser238Tyr)

Gene: CRX (cone-rod homeobox; plus strand). Cytogenetic location: 19q13.33.
Variant type: single nucleotide variant.
Coding change: c.713C>A on transcript NM_000554.6 (MANE Select); coding-DNA position 713, C replaced by A.
Protein change: p.Ser238Tyr; replaces serine 238 with tyrosine.
Molecular consequence: missense variant.
Genome position (GRCh38, 1-based): chr19:47,839,780, C>A. VCF-style: chr19-47839780-C-A. GRCh37 (hg19) VCF-style: chr19-48343037-C-A.
Other names: short protein forms S238Y.
Identifiers: ClinVar variation 1037944 (VCV001037944.8), dbSNP rs1968172066, ClinGen allele CA406631642.